The following is an entry in ClinVar:

ClinVar aggregate classification (germline): Benign (3 of 4 stars; one submission).

Conditions:
Breast-ovarian cancer, familial, susceptibility to, 1 (BROVCA1). Also called: BRCA1 Hereditary Breast and Ovarian Cancer; OVARIAN CANCER, SUSCEPTIBILITY TO. Identifiers: Orphanet 145, MedGen C2676676, MONDO:0011450, OMIM 604370. Disease mechanism: loss of function.

Submission:

Evidence-based Network for the Interpretation of Germline Mutant Alleles (ENIGMA)
Classification: Benign for Breast-ovarian cancer, familial 1. Last evaluated: 2015-01-12. Review status: reviewed by expert panel. Criteria: ENIGMA BRCA1/2 Classification Criteria (2015). Collection method: curation. Allele origin: germline.
Comment: Class 1 not pathogenic based on frequency >1% in an outbred sampleset. Frequency 0.33 (Asian), 0.22 (African), 0.35 (European), derived from 1000 genomes (2012-04-30).

NM_007294.4(BRCA1):c.4358-1130del

Gene: BRCA1 (BRCA1 DNA repair associated; minus strand). Cytogenetic location: 17q21.31.
Variant type: Deletion.
Coding change: c.4358-1130del on transcript NM_007294.4 (MANE Select); 1130 bases into the intron before coding-DNA position 4358, one base deleted (A; older notation c.4358-1130delA).
Molecular consequence: intron variant.
Genome position (GRCh38, 1-based): chr17:43,077,744, T deleted on the plus strand (A on the coding strand, the reverse complement: BRCA1 is on the minus strand); the first of 8 consecutive T bases (chr17:43,077,744-43,077,751); deleting any one gives the same sequence. VCF-style (leftmost placement, unchanged base first): chr17-43077743-AT-A. GRCh37 (hg19) VCF-style: chr17-41229760-AT-A.
Other names: IVS 13-1130del; c.908-1133del (NM_001408458.1, NM_001408461.1, NM_001408459.1 and 1 more transcripts); c.3470-1133del (NM_001407967.1); c.3977-1130del (NM_001407959.1); c.4091-1130del (NM_001407931.1, NM_001407932.1, NM_001407930.1 and 1 more transcripts); c.4214-1130del (NM_001407747.1, NM_001407745.1, NM_001407746.1 and 11 more transcripts); c.3974-1130del (NM_001407962.1); c.545-1130del (NM_001408512.1); and 99 more.
Identifiers: ClinVar variation 209383 (VCV000209383.2), dbSNP rs8176205, ClinGen allele CA276355.
Genomic context (GRCh38, chr17:43,077,743, plus strand): 5'-ACTGCCTTCTAGGAAGTGGCTTAAAGGCAGAAGTACTTATTTATTTATTTTTATTTATTT[AT>A]TTTTTTTGAGATGGAGTTTGCTCTTGTTGCCCAGGCTGCAGTGCAATGGCATGATCTTGG-3'